The following is an entry in ClinVar:

NM_003000.3(SDHB):c.643-16A>G

Gene: SDHB (succinate dehydrogenase complex iron sulfur subunit B; minus strand). Cytogenetic location: 1p36.13.
Variant type: single nucleotide variant.
Coding change: c.643-16A>G on transcript NM_003000.3 (MANE Select); 16 bases into the intron before coding-DNA position 643, A replaced by G.
Molecular consequence: intron variant.
Genome position (GRCh38, 1-based): chr1:17,022,746, T>C on the plus strand (A>G on the coding strand, the complement: SDHB is on the minus strand). VCF-style: chr1-17022746-T-C. GRCh37 (hg19) VCF-style: chr1-17349241-T-C.
Identifiers: ClinVar variation 2194148 (VCV002194148.5), dbSNP rs774215357, ClinGen allele CA089693.

ClinVar aggregate classification (germline): Likely benign. Review status: criteria provided, multiple submitters, no conflicts (2 of 4 stars). 2 submissions from 2 submitters: Likely benign (2). Last evaluated 2025-11-05.

Conditions:
Pheochromocytoma/paraganglioma syndrome 4. Also called: CAROTID BODY TUMORS AND MULTIPLE EXTRAADRENAL PHEOCHROMOCYTOMAS; PARAGANGLIOMA, FAMILIAL MALIGNANT; PARAGANGLIOMAS, HEREDITARY EXTRAADRENAL; PHEOCHROMOCYTOMA, FAMILIAL EXTRAADRENAL; Paragangliomas 4; SDHB-Related Hereditary Paraganglioma-Pheochromocytoma Syndrome (Paragangliomas 4). Identifiers: Orphanet 29072, MedGen C1861848, MONDO:0007273, OMIM 115310.
Pheochromocytoma. Also called: MAX-Related Hereditary Paraganglioma-Pheochromocytoma Syndrome. Identifiers: Orphanet 29072, MedGen C0031511, MONDO:0008233, OMIM 171300, HP:0002666.
Gastrointestinal stromal tumor. Also called: Gastrointestinal stroma tumor; Gastrointestinal stromal tumor, somatic. Identifiers: Orphanet 44890, MedGen C0238198, MeSH D046152, MONDO:0011719, OMIM 606764, HP:0100723.

Allele frequency attached by ClinVar (database versions not stated): gnomAD exomes below 0.00001; TOPMed below 0.00001; ExAC 0.00002.
gnomAD v4.1: 6 of 1,611,478 alleles (0.00037%); highest among the groups gnomAD compares: Non-Finnish European, 0.00051%; no homozygotes.

Submissions (2):

Labcorp Genetics (formerly Invitae), Labcorp
Classification: Likely benign for Gastrointestinal stromal tumor; Pheochromocytoma/paraganglioma syndrome 4; Pheochromocytoma. Last evaluated: 2025-11-05. Review status: criteria provided, single submitter. Criteria: Invitae Variant Classification Sherloc (09022015). Collection method: clinical testing. Allele origin: germline.

Myriad Genetics, Inc.
Classification: Likely benign for Pheochromocytoma/paraganglioma syndrome 4. Last evaluated: 2025-03-13. Review status: criteria provided, single submitter. Criteria: Myriad Autosomal Dominant, Autosomal Recessive and X-Linked Classification Criteria (2023). Collection method: clinical testing. Allele origin: unknown.
Comment: This variant is considered likely benign. This variant is intronic and is not expected to impact mRNA splicing.